The following is an entry in ClinVar:

ClinVar aggregate classification (germline): Likely benign. Review status: criteria provided, multiple submitters, no conflicts (2 of 4 stars). 2 submissions from 2 submitters: Likely benign (2). Last evaluated 2026-09-06.

Conditions:
TRRAP-related disorder. Also called: TRRAP-related condition.

Allele frequency attached by ClinVar (database versions not stated): gnomAD 0.00001; gnomAD exomes 0.00001; TOPMed 0.00002.
gnomAD v4.1: 16 of 1,613,974 alleles (0.00099%); highest among the groups gnomAD compares: Admixed American, 0.0033%; no homozygotes.

Submissions (2):

PreventionGenetics, part of Exact Sciences
Classification: Likely benign for TRRAP-related condition. Last evaluated: 2026-09-06. Review status: criteria provided, single submitter. Criteria: ACMG Guidelines, 2015. Collection method: clinical testing. Allele origin: germline.
Comment: This variant is classified as likely benign based on ACMG/AMP sequence variant interpretation guidelines (Richards et al. 2015 PMID: 25741868, with internal and published modifications).

Labcorp Genetics (formerly Invitae), Labcorp
Classification: Likely benign. Last evaluated: 2023-10-13. Review status: criteria provided, single submitter. Criteria: Invitae Variant Classification Sherloc (09022015). Collection method: clinical testing. Allele origin: germline.

NM_001375524.1(TRRAP):c.3429G>A (p.Glu1143=)

Gene: TRRAP (transformation/transcription domain associated protein; plus strand). Cytogenetic location: 7q22.1.
Variant type: single nucleotide variant.
Coding change: c.3429G>A on transcript NM_001375524.1 (MANE Select); coding-DNA position 3429, G replaced by A.
Protein change: p.Glu1143=; no amino-acid change (glutamic acid 1143 retained).
Molecular consequence: synonymous variant.
Genome position (GRCh38, 1-based): chr7:98,930,668, G>A. VCF-style: chr7-98930668-G-A. GRCh37 (hg19) VCF-style: chr7-98528291-G-A.
Other names: c.3429G>A (NM_003496.3); c.3429G>A, p.Glu1143= (NM_001244580.2, NM_003496.4).
Identifiers: ClinVar variation 2742608 (VCV002742608.4), dbSNP rs1370683012, ClinGen allele CA456658703.